The following is an entry in ClinVar:

NM_005475.3(SH2B3):c.103G>A (p.Val35Ile)

Gene: SH2B3 (SH2B adaptor protein 3; plus strand). Cytogenetic location: 12q24.12.
Variant type: single nucleotide variant.
Coding change: c.103G>A on transcript NM_005475.3 (MANE Select); coding-DNA position 103, G replaced by A.
Protein change: p.Val35Ile; replaces valine 35 with isoleucine.
Molecular consequence: missense variant.
Genome position (GRCh38, 1-based): chr12:111,418,248, G>A. VCF-style: chr12-111418248-G-A. GRCh37 (hg19) VCF-style: chr12-111856052-G-A.
Other names: short protein forms V35I.
Identifiers: ClinVar variation 3795164 (VCV003795164.1).

ClinVar aggregate classification (germline): Uncertain significance (1 of 4 stars; one submission).

Conditions:
Inborn genetic diseases. Identifiers: MedGen C0950123, MeSH D030342.

gnomAD v4.1: 16 of 1,543,360 alleles (0.001%); highest among the groups gnomAD compares: East Asian, 0.0049%; no homozygotes.

Submission:

Ambry Genetics
Classification: Uncertain significance for Inborn genetic diseases. Last evaluated: 2025-02-03. Review status: criteria provided, single submitter. Criteria: Ambry Variant Classification Scheme 2023. Collection method: clinical testing. Allele origin: germline.
Comment: The p.V35I variant (also known as c.103G>A), located in coding exon 1 of the SH2B3 gene, results from a G to A substitution at nucleotide position 103. The valine at codon 35 is replaced by isoleucine, an amino acid with highly similar properties. This amino acid position is conserved. In addition, this alteration is predicted to be tolerated by in silico analysis. Based on the available evidence, the clinical significance of this variant remains unclear.